The following is an entry in ClinVar:

ClinVar aggregate classification (germline): Uncertain significance. Review status: criteria provided, multiple submitters, no conflicts (2 of 4 stars). 5 submissions from 5 submitters: Uncertain significance (5). Last evaluated 2023-08-31.

Conditions:
Inborn genetic diseases. Identifiers: MedGen C0950123, MeSH D030342.
Emery-Dreifuss muscular dystrophy 4, autosomal dominant (EDMD4). Also called: EMERY-DREIFUSS MUSCULAR DYSTROPHY 4 WITH VARIABLE FEATURES. Identifiers: Orphanet 261, MedGen C2751807, MONDO:0013071, OMIM 612998.
Autosomal recessive ataxia, Beauce type. Also called: SYNE1 Deficiency; Spinocerebellar ataxia, autosomal recessive 8; ATAXIA, RECESSIVE, OF BEAUCE; SYNE1-Related Autosomal Recessive Cerebellar Ataxia. Identifiers: Orphanet 88644, MedGen C1853116, MONDO:0012549, OMIM 610743.

Allele frequency attached by ClinVar (database versions not stated): gnomAD exomes 0.00001 and 0.00006; ExAC 0.00008; gnomAD 0.00016 and 0.00018; TOPMed 0.00017; 1000 Genomes Project 0.00100; 1000 Genomes Project 30x 0.00109.
gnomAD v4.1: 51 of 1,614,178 alleles (0.0032%); highest among the groups gnomAD compares: African/African-American, 0.047%; no homozygotes.

Submissions (5):

Revvity Omics, Revvity
Classification: Uncertain significance. Last evaluated: 2023-08-31. Review status: criteria provided, single submitter. Criteria: ACMG Guidelines, 2015. Collection method: clinical testing. Allele origin: germline.

Labcorp Genetics (formerly Invitae), Labcorp
Classification: Uncertain significance for Emery-Dreifuss muscular dystrophy 4, autosomal dominant; Autosomal recessive ataxia, Beauce type. Last evaluated: 2022-10-15. Review status: criteria provided, single submitter. Criteria: Invitae Variant Classification Sherloc (09022015). Collection method: clinical testing. Allele origin: germline.
Comment: In summary, the available evidence is currently insufficient to determine the role of this variant in disease. Therefore, it has been classified as a Variant of Uncertain Significance. Algorithms developed to predict the effect of missense changes on protein structure and function (SIFT, PolyPhen-2, Align-GVGD) all suggest that this variant is likely to be disruptive. This sequence change replaces tyrosine, which is neutral and polar, with cysteine, which is neutral and slightly polar, at codon 7173 of the SYNE1 protein (p.Tyr7173Cys). This variant is present in population databases (rs536892317, gnomAD 0.05%). This variant has not been reported in the literature in individuals affected with SYNE1-related conditions. ClinVar contains an entry for this variant (Variation ID: 501441).

Athena Diagnostics
Classification: Uncertain significance. Last evaluated: 2022-09-20. Review status: criteria provided, single submitter. Criteria: Athena Diagnostics Criteria. Collection method: clinical testing. Allele origin: unknown.
Comment: Available data are insufficient to determine the clinical significance of the variant at this time. The frequency of this variant in the general population is higher than would generally be expected for pathogenic variants in this gene. Computational tools disagree on the variant's effect on normal protein function.

Ambry Genetics
Classification: Uncertain significance for Inborn genetic diseases. Last evaluated: 2021-08-10. Review status: criteria provided, single submitter. Criteria: Ambry Variant Classification Scheme 2023. Collection method: clinical testing. Allele origin: germline.

Eurofins Ntd Llc (ga)
Classification: Uncertain significance. Last evaluated: 2017-04-20. Review status: criteria provided, single submitter. Criteria: EGL Classification Definitions 2015. Collection method: clinical testing. Allele origin: germline. Observed: 1 variant allele, 1 heterozygote.

NM_182961.4(SYNE1):c.21731A>G (p.Tyr7244Cys)

Gene: SYNE1 (spectrin repeat containing nuclear envelope protein 1; minus strand). Cytogenetic location: 6q25.2.
Variant type: single nucleotide variant.
Coding change: c.21731A>G on transcript NM_182961.4 (MANE Select); coding-DNA position 21731, A replaced by G.
Protein change: p.Tyr7244Cys; replaces tyrosine 7244 with cysteine.
Molecular consequence: missense variant.
Genome position (GRCh38, 1-based): chr6:152,220,972, T>C on the plus strand (A>G on the coding strand, the complement: SYNE1 is on the minus strand). VCF-style: chr6-152220972-T-C. GRCh37 (hg19) VCF-style: chr6-152542107-T-C.
Other names: c.21518A>G, p.Tyr7173Cys (NM_033071.5); short protein forms Y7173C, Y7244C.
Identifiers: ClinVar variation 501441 (VCV000501441.20), dbSNP rs536892317, ClinGen allele CA4054075.